The following is an entry in ClinVar:

ClinVar aggregate classification (germline): Uncertain significance (1 of 4 stars; one submission).

Conditions:
Hereditary sensory and autonomic neuropathy type 7. Also called: HSAN VII; Neuropathy, hereditary sensory and autonomic, type VII. Identifiers: Orphanet 391397, MedGen C3809882, MONDO:0014244, OMIM 615548.
Familial episodic pain syndrome with predominantly lower limb involvement. Also called: Episodic pain syndrome, familial, 3. Identifiers: Orphanet 391384, Orphanet 391392, MedGen C3809899, MONDO:0014247, OMIM 615552.

Submission:

Labcorp Genetics (formerly Invitae), Labcorp
Classification: Uncertain significance for Familial episodic pain syndrome with predominantly lower limb involvement; Hereditary sensory and autonomic neuropathy type 7. Last evaluated: 2022-08-03. Review status: criteria provided, single submitter. Criteria: Invitae Variant Classification Sherloc (09022015). Collection method: clinical testing. Allele origin: germline.
Comment: This variant is not present in population databases (gnomAD no frequency). This sequence change replaces glutamine, which is neutral and polar, with arginine, which is basic and polar, at codon 1345 of the SCN11A protein (p.Gln1345Arg). This variant has not been reported in the literature in individuals affected with SCN11A-related conditions. In summary, the available evidence is currently insufficient to determine the role of this variant in disease. Therefore, it has been classified as a Variant of Uncertain Significance. Algorithms developed to predict the effect of sequence changes on RNA splicing suggest that this variant may create or strengthen a splice site. Algorithms developed to predict the effect of missense changes on protein structure and function are either unavailable or do not agree on the potential impact of this missense change (SIFT: "Deleterious"; PolyPhen-2: "Benign"; Align-GVGD: "Class C35").

NM_001349253.2(SCN11A):c.4034A>G (p.Gln1345Arg)

Gene: SCN11A (sodium voltage-gated channel alpha subunit 11; minus strand). Cytogenetic location: 3p22.2.
Variant type: single nucleotide variant.
Coding change: c.4034A>G on transcript NM_001349253.2 (MANE Select); coding-DNA position 4034, A replaced by G.
Protein change: p.Gln1345Arg; replaces glutamine 1345 with arginine.
Molecular consequence: missense variant.
Genome position (GRCh38, 1-based): chr3:38,863,217, T>C on the plus strand (A>G on the coding strand, the complement: SCN11A is on the minus strand). VCF-style: chr3-38863217-T-C. GRCh37 (hg19) VCF-style: chr3-38904708-T-C.
Other names: c.4034A>G, p.Gln1345Arg (NM_014139.3); short protein forms Q1345R.
Identifiers: ClinVar variation 1714964 (VCV001714964.5), dbSNP rs2471008328, ClinGen allele CA352167441.